The following is an entry in ClinVar:

NM_005751.5(AKAP9):c.4099T>A (p.Cys1367Ser)

Gene: AKAP9 (A-kinase anchoring protein 9; plus strand). Cytogenetic location: 7q21.2.
Variant type: single nucleotide variant.
Coding change: c.4099T>A on transcript NM_005751.5 (MANE Select); coding-DNA position 4099, T replaced by A.
Protein change: p.Cys1367Ser; replaces cysteine 1367 with serine.
Molecular consequence: missense variant.
Genome position (GRCh38, 1-based): chr7:92,022,960, T>A. VCF-style: chr7-92022960-T-A. GRCh37 (hg19) VCF-style: chr7-91652274-T-A.
Other names: c.4099T>A, p.Cys1367Ser (NM_147185.3); short protein forms C1367S.
Identifiers: ClinVar variation 519214 (VCV000519214.9), dbSNP rs762203528, ClinGen allele CA4336480.

ClinVar aggregate classification (germline): Conflicting classifications of pathogenicity. Review status: criteria provided, conflicting classifications (1 of 4 stars). 2 submissions from 2 submitters: Uncertain significance (1); Likely benign (1). Last evaluated 2023-11-19.

Conditions:
Long QT syndrome (LQTS). Identifiers: MedGen C0023976, MeSH D008133, MONDO:0002442. Disease mechanism: loss of function. Inheritance: Various modes of inheritance.
Cardiovascular phenotype. Identifiers: MedGen CN230736.

Allele frequency attached by ClinVar (database versions not stated): ExAC 0.00001; gnomAD 0.00001; gnomAD exomes 0.00001; TOPMed 0.00001.
gnomAD v4.1: 12 of 1,613,972 alleles (0.00074%); highest among the groups gnomAD compares: Non-Finnish European, 0.00093%; no homozygotes.

Submissions (2):

Labcorp Genetics (formerly Invitae), Labcorp
Classification: Uncertain significance for Long QT syndrome. Last evaluated: 2023-11-19. Review status: criteria provided, single submitter. Criteria: Invitae Variant Classification Sherloc (09022015). Collection method: clinical testing. Allele origin: germline.
Comment: This sequence change replaces cysteine, which is neutral and slightly polar, with serine, which is neutral and polar, at codon 1367 of the AKAP9 protein (p.Cys1367Ser). This variant is present in population databases (rs762203528, gnomAD 0.002%). This variant has not been reported in the literature in individuals affected with AKAP9-related conditions. ClinVar contains an entry for this variant (Variation ID: 519214). Algorithms developed to predict the effect of missense changes on protein structure and function output the following: SIFT: "Not Available"; PolyPhen-2: "Benign"; Align-GVGD: "Not Available". The serine amino acid residue is found in multiple mammalian species, which suggests that this missense change does not adversely affect protein function. In summary, the available evidence is currently insufficient to determine the role of this variant in disease. Therefore, it has been classified as a Variant of Uncertain Significance.

Ambry Genetics
Classification: Likely benign for Cardiovascular phenotype. Last evaluated: 2023-07-06. Review status: criteria provided, single submitter. Criteria: Ambry Variant Classification Scheme 2023. Collection method: clinical testing. Allele origin: germline.